The following is an entry in ClinVar:

ClinVar aggregate classification (germline): Uncertain significance. Review status: criteria provided, multiple submitters, no conflicts (2 of 4 stars). 2 submissions from 2 submitters: Uncertain significance (2). Last evaluated 2025-01-06.

Conditions:
Hereditary cancer-predisposing syndrome. Also called: Hereditary neoplastic syndrome; Neoplastic Syndromes, Hereditary; Tumor predisposition; Hereditary Cancer Syndrome. Identifiers: Orphanet 140162, MedGen C0027672, MeSH D009386, MONDO:0015356.
Multiple endocrine neoplasia, type 2 (MEN2). Identifiers: Orphanet 653, MedGen C4048306, MONDO:0019003. Disease mechanism: gain of function.

Allele frequency attached by ClinVar (database versions not stated): gnomAD exomes below 0.00001; gnomAD 0.00001.
gnomAD v4.1: 4 of 1,613,942 alleles (0.00025%); highest among the groups gnomAD compares: Non-Finnish European, 0.00034%; no homozygotes.

Submissions (2):

Labcorp Genetics (formerly Invitae), Labcorp
Classification: Uncertain significance for Multiple endocrine neoplasia, type 2. Last evaluated: 2025-01-06. Review status: criteria provided, single submitter. Criteria: Invitae Variant Classification Sherloc (09022015). Collection method: clinical testing. Allele origin: germline.
Comment: This sequence change replaces isoleucine, which is neutral and non-polar, with asparagine, which is neutral and polar, at codon 578 of the RET protein (p.Ile578Asn). This variant is present in population databases (no rsID available, gnomAD 0.0009%). This variant has not been reported in the literature in individuals affected with RET-related conditions. ClinVar contains an entry for this variant (Variation ID: 2783302). An algorithm developed to predict the effect of missense changes on protein structure and function (PolyPhen-2) suggests that this variant is likely to be tolerated. In summary, the available evidence is currently insufficient to determine the role of this variant in disease. Therefore, it has been classified as a Variant of Uncertain Significance.

Ambry Genetics
Classification: Uncertain significance for Hereditary cancer-predisposing syndrome. Last evaluated: 2023-09-18. Review status: criteria provided, single submitter. Criteria: Ambry Variant Classification Scheme 2023. Collection method: clinical testing. Allele origin: germline.
Comment: The p.I578N variant (also known as c.1733T>A), located in coding exon 9 of the RET gene, results from a T to A substitution at nucleotide position 1733. The isoleucine at codon 578 is replaced by asparagine, an amino acid with dissimilar properties. This amino acid position is poorly conserved in available vertebrate species. In addition, the in silico prediction for this alteration is inconclusive. Since supporting evidence is limited at this time, the clinical significance of this alteration remains unclear.

NM_020975.6(RET):c.1733T>A (p.Ile578Asn)

Gene: RET (ret proto-oncogene; plus strand). Cytogenetic location: 10q11.21.
Variant type: single nucleotide variant.
Coding change: c.1733T>A on transcript NM_020975.6 (MANE Select); coding-DNA position 1733, T replaced by A.
Protein change: p.Ile578Asn; replaces isoleucine 578 with asparagine.
Molecular consequence: missense variant.
Genome position (GRCh38, 1-based): chr10:43,112,937, T>A. VCF-style: chr10-43112937-T-A. GRCh37 (hg19) VCF-style: chr10-43608385-T-A.
Other names: c.1733T>A, p.Ile578Asn (NM_000323.2, NM_001406743.1, NM_001406744.1 and 6 more transcripts); c.971T>A, p.Ile324Asn (NM_001355216.2); c.1604T>A, p.Ile535Asn (NM_001406761.1, NM_001406762.1, NM_001406764.1 and 1 more transcripts); c.1445T>A, p.Ile482Asn (NM_001406766.1, NM_001406767.1, NM_001406770.1); c.1337T>A, p.Ile446Asn (NM_001406769.1, NM_001406772.1); c.1295T>A, p.Ile432Asn (NM_001406771.1, NM_001406773.1); c.1208T>A, p.Ile403Asn (NM_001406774.1); c.1007T>A, p.Ile336Asn (NM_001406775.1, NM_001406776.1, NM_001406777.1 and 1 more transcripts); and 5 more; short protein forms I336N, I432N, I482N, I403N, I446N, I535N, I578N, I183N.
Identifiers: ClinVar variation 2783302 (VCV002783302.4), dbSNP rs1196065300, ClinGen allele CA376552104.